The following is an entry in ClinVar:

NM_003906.5(MCM3AP):c.2914C>A (p.Pro972Thr)

Gene: MCM3AP (minichromosome maintenance complex component 3 associated protein; minus strand). Cytogenetic location: 21q22.3.
Variant type: single nucleotide variant.
Coding change: c.2914C>A on transcript NM_003906.5 (MANE Select); coding-DNA position 2914, C replaced by A.
Protein change: p.Pro972Thr; replaces proline 972 with threonine.
Molecular consequence: missense variant.
Genome position (GRCh38, 1-based): chr21:46,266,042, G>T on the plus strand (C>A on the coding strand, the complement: MCM3AP is on the minus strand). VCF-style: chr21-46266042-G-T. GRCh37 (hg19) VCF-style: chr21-47685956-G-T.
Other names: short protein forms P972T.
Identifiers: ClinVar variation 2428984 (VCV002428984.3), dbSNP rs1175531436, ClinGen allele CA410561596.

ClinVar aggregate classification (germline): Uncertain significance (1 of 4 stars; one submission).

Submission:

GeneDx
Classification: Uncertain significance. Last evaluated: 2022-08-01. Review status: criteria provided, single submitter. Criteria: GeneDx Variant Classification Process June 2021. Collection method: clinical testing. Allele origin: germline. Affected: yes.
Comment: Not observed at significant frequency in large population cohorts (gnomAD); In silico analysis supports that this missense variant has a deleterious effect on protein structure/function; In silico analysis suggests this variant may impact gene splicing. In the absence of RNA/functional studies, the actual effect of this sequence change is unknown.; Has not been previously published as pathogenic or benign to our knowledge